The following is an entry in ClinVar:

ClinVar aggregate classification (germline): Pathogenic (1 of 4 stars; one submission).

Conditions:
Hereditary breast ovarian cancer syndrome. Also called: Hereditary breast and ovarian cancer syndrome; Hereditary breast and ovarian cancer; Hereditary breast and/or ovarian cancer syndrome; Hereditary breast and ovarian cancer syndrome (HBOC); Breast and ovarian cancer; BRCA1- and BRCA2-Associated Hereditary Breast and Ovarian Cancer. Identifiers: Orphanet 145, MedGen C0677776, MeSH D061325, MONDO:0003582. Disease mechanism: loss of function.

Submission:

Labcorp Genetics (formerly Invitae), Labcorp
Classification: Pathogenic for Hereditary breast ovarian cancer syndrome. Last evaluated: 2023-06-23. Review status: criteria provided, single submitter. Criteria: Invitae Variant Classification Sherloc (09022015). Collection method: clinical testing. Allele origin: germline.
Comment: For these reasons, this variant has been classified as Pathogenic. This variant has not been reported in the literature in individuals affected with BRCA2-related conditions. This variant is a gross deletion of the genomic region encompassing exon(s) 3-13 of the BRCA2 gene. This deletion is out-of-frame, and is expected to create a premature termination codon and result in an absent or disrupted protein product. Loss-of-function variants in BRCA2 are known to be pathogenic (PMID: 20104584).

Literature cited by the submitters: PubMed 20104584.

NC_000013.10:g.(?_32893194)_(32921053_?)del

Gene: BRCA2 (BRCA2 DNA repair associated; plus strand). Cytogenetic location: 13q13.1.
Variant type: Deletion.
Identifiers: ClinVar variation 2422272 (VCV002422272.6).